The following is an entry in ClinVar:

NM_198904.4(GABRG2):c.104C>T (p.Pro35Leu)

Gene: GABRG2 (gamma-aminobutyric acid type A receptor subunit gamma2; plus strand). Cytogenetic location: 5q34.
Variant type: single nucleotide variant.
Coding change: c.104C>T on transcript NM_198904.4 (MANE Select); coding-DNA position 104, C replaced by T.
Protein change: p.Pro35Leu; replaces proline 35 with leucine.
Molecular consequence: missense variant. On other transcripts: 5 prime UTR variant (3), intron variant (1).
Genome position (GRCh38, 1-based): chr5:162,068,103, C>T. VCF-style: chr5-162068103-C-T. GRCh37 (hg19) VCF-style: chr5-161495109-C-T.
Other names: c.104C>T, p.Pro35Leu (NM_000816.3, NM_001375339.1, NM_001375340.1 and 5 more transcripts); c.38C>T, p.Pro13Leu (NM_001375345.1, NM_001375346.1); c.-255C>T (NM_001375348.1, NM_001375350.1); c.-303C>T (NM_001375349.1); c.20+462C>T (NM_001375347.1); short protein forms P13L, P35L.
Identifiers: ClinVar variation 2932012 (VCV002932012.3), dbSNP rs1189639394, ClinGen allele CA362181918.

ClinVar aggregate classification (germline): Uncertain significance (1 of 4 stars; one submission).

Conditions:
EPILEPSY, CHILDHOOD ABSENCE, SUSCEPTIBILITY TO, 2 (ECA2). Identifiers: Orphanet 64280, MedGen C1843244, OMIM 607681.
Febrile seizures, familial, 8 (FEB8). Also called: CONVULSIONS, FAMILIAL FEBRILE, 8. Identifiers: Orphanet 36387, MedGen C1969810, MONDO:0011891, OMIM 607681.

Allele frequency attached by ClinVar (database versions not stated): TOPMed below 0.00001.

Submission:

Labcorp Genetics (formerly Invitae), Labcorp
Classification: Uncertain significance for Febrile seizures, familial, 8; EPILEPSY, CHILDHOOD ABSENCE, SUSCEPTIBILITY TO, 2. Last evaluated: 2023-07-03. Review status: criteria provided, single submitter. Criteria: Invitae Variant Classification Sherloc (09022015). Collection method: clinical testing. Allele origin: germline.
Comment: In summary, the available evidence is currently insufficient to determine the role of this variant in disease. Therefore, it has been classified as a Variant of Uncertain Significance. Advanced modeling of protein sequence and biophysical properties (such as structural, functional, and spatial information, amino acid conservation, physicochemical variation, residue mobility, and thermodynamic stability) performed at Invitae indicates that this missense variant is not expected to disrupt GABRG2 protein function. This variant has not been reported in the literature in individuals affected with GABRG2-related conditions. This variant is not present in population databases (gnomAD no frequency). This sequence change replaces proline, which is neutral and non-polar, with leucine, which is neutral and non-polar, at codon 35 of the GABRG2 protein (p.Pro35Leu).